The following is an entry in ClinVar:

NM_000088.4(COL1A1):c.1462-47_1462-18del

Gene: COL1A1 (collagen type I alpha 1 chain; minus strand). Cytogenetic location: 17q21.33.
Variant type: Deletion.
Coding change: c.1462-47_1462-18del on transcript NM_000088.4 (MANE Select); 47 bases into the intron before coding-DNA position 1462 through 18 bases into the intron before coding-DNA position 1462, 30 bases deleted (TGGTGCCTGTGTGTCGCGGAGTTCACTGGC).
Molecular consequence: intron variant.
Genome position (GRCh38, 1-based): chr17:50,194,644-50,194,673, GCCAGTGAACTCCGCGACACACAGGCACCA deleted on the plus strand (TGGTGCCTGTGTGTCGCGGAGTTCACTGGC on the coding strand, the reverse complement: COL1A1 is on the minus strand); deleting any 30 consecutive bases within chr17:50,194,644-50,194,678 gives the same sequence; the c. name uses the placement nearest the transcript's 3' end. VCF-style (leftmost placement, unchanged base first): chr17-50194643-GGCCAGTGAACTCCGCGACACACAGGCACCA-G. GRCh37 (hg19) VCF-style: chr17-48272004-GGCCAGTGAACTCCGCGACACACAGGCACCA-G.
Identifiers: ClinVar variation 2840629 (VCV002840629.3), dbSNP rs2509221079, ClinGen allele CA2739268228.

ClinVar aggregate classification (germline): Pathogenic (1 of 4 stars; one submission).

Conditions:
Osteogenesis imperfecta type I (OI1). Also called: Lobstein's Disease; Lobstein disease; Classic Non-deforming Osteogenesis Imperfecta with Blue Sclerae; OI, TYPE I; OSTEOGENESIS IMPERFECTA TARDA; OSTEOGENESIS IMPERFECTA WITH BLUE SCLERAE. Identifiers: Orphanet 216796, Orphanet 666, MedGen C0023931, MONDO:0008146, OMIM 166200. Disease mechanism: loss of function.

Submission:

Labcorp Genetics (formerly Invitae), Labcorp
Classification: Pathogenic for Osteogenesis imperfecta type I. Last evaluated: 2023-04-10. Review status: criteria provided, single submitter. Criteria: Invitae Variant Classification Sherloc (09022015). Collection method: clinical testing. Allele origin: germline.
Comment: For these reasons, this variant has been classified as Pathogenic. Algorithms developed to predict the effect of sequence changes on RNA splicing suggest that this variant may create or strengthen a splice site. This variant has been observed in individual(s) with clinical features of osteogenesis imperfecta (Invitae). In at least one individual the variant was observed to be de novo. This variant is not present in population databases (gnomAD no frequency). This sequence change falls in intron 21 of the COL1A1 gene. It does not directly change the encoded amino acid sequence of the COL1A1 protein.